The following is an entry in ClinVar:

ClinVar aggregate classification (germline): Uncertain significance (1 of 4 stars; one submission).

Submission:

GeneDx
Classification: Uncertain significance. Last evaluated: 2024-10-24. Review status: criteria provided, single submitter. Criteria: GeneDx Variant Classification Process June 2021. Collection method: clinical testing. Allele origin: germline. Affected: yes.
Comment: Not observed at significant frequency in large population cohorts (gnomAD); In silico analysis indicates that this missense variant does not alter protein structure/function; Has not been previously published as pathogenic or benign to our knowledge

NM_001379200.1(TBX1):c.1150G>A (p.Gly384Arg)

Gene: TBX1 (T-box transcription factor 1; plus strand). Cytogenetic location: 22q11.21.
Variant type: single nucleotide variant.
Coding change: c.1150G>A on transcript NM_001379200.1 (MANE Select); coding-DNA position 1150, G replaced by A.
Protein change: p.Gly384Arg; replaces glycine 384 with arginine.
Molecular consequence: missense variant. On other transcripts: intron variant (2).
Genome position (GRCh38, 1-based): chr22:19,766,502, G>A. VCF-style: chr22-19766502-G-A. GRCh37 (hg19) VCF-style: chr22-19754025-G-A.
Other names: c.1123G>A, p.Gly375Arg (NM_080647.1); c.1009+500G>A (NM_005992.1, NM_080646.2); short protein forms G375R, G384R.
Identifiers: ClinVar variation 3893472 (VCV003893472.1).